The following is an entry in ClinVar:

ClinVar aggregate classification (germline): Uncertain significance. Review status: criteria provided, multiple submitters, no conflicts (2 of 4 stars). 2 submissions from 2 submitters: Uncertain significance (2). Last evaluated 2024-03-07.

Allele frequency attached by ClinVar (database versions not stated): gnomAD 0.00005; ExAC 0.00007; TOPMed 0.00008.
gnomAD v4.1: 285 of 1,610,286 alleles (0.018%); highest among the groups gnomAD compares: Non-Finnish European, 0.023%; no homozygotes.

Submissions (2):

Ambry Genetics
Classification: Uncertain significance. Last evaluated: 2024-03-07. Review status: criteria provided, single submitter. Criteria: Ambry Variant Classification Scheme 2023. Collection method: clinical testing. Allele origin: germline.

Labcorp Genetics (formerly Invitae), Labcorp
Classification: Uncertain significance. Last evaluated: 2023-12-21. Review status: criteria provided, single submitter. Criteria: Invitae Variant Classification Sherloc (09022015). Collection method: clinical testing. Allele origin: germline.
Comment: This sequence change replaces arginine, which is basic and polar, with glutamine, which is neutral and polar, at codon 1040 of the NYNRIN protein (p.Arg1040Gln). This variant is present in population databases (rs763907941, gnomAD 0.01%). This variant has not been reported in the literature in individuals affected with NYNRIN-related conditions. Experimental studies and prediction algorithms are not available or were not evaluated, and the functional significance of this variant is currently unknown. In summary, the available evidence is currently insufficient to determine the role of this variant in disease. Therefore, it has been classified as a Variant of Uncertain Significance.

NM_025081.3(NYNRIN):c.3119G>A (p.Arg1040Gln)

Gene: NYNRIN (NYN domain and retroviral integrase containing; plus strand). Cytogenetic location: 14q12.
Variant type: single nucleotide variant.
Coding change: c.3119G>A on transcript NM_025081.3 (MANE Select); coding-DNA position 3119, G replaced by A.
Protein change: p.Arg1040Gln; replaces arginine 1040 with glutamine.
Molecular consequence: missense variant.
Genome position (GRCh38, 1-based): chr14:24,414,868, G>A. VCF-style: chr14-24414868-G-A. GRCh37 (hg19) VCF-style: chr14-24884074-G-A.
Other names: c.3119G>A (NM_025081.2); short protein forms R1040Q.
Identifiers: ClinVar variation 2740065 (VCV002740065.4), dbSNP rs763907941, ClinGen allele CA7137192.